The following is an entry in ClinVar:

NM_001354604.2(MITF):c.1573A>G (p.Thr525Ala)

Gene: MITF (melanocyte inducing transcription factor; plus strand). Cytogenetic location: 3p13.
Variant type: single nucleotide variant.
Coding change: c.1573A>G on transcript NM_001354604.2 (MANE Select); coding-DNA position 1573, A replaced by G.
Protein change: p.Thr525Ala; replaces threonine 525 with alanine.
Molecular consequence: missense variant.
Genome position (GRCh38, 1-based): chr3:69,965,240, A>G. VCF-style: chr3-69965240-A-G. GRCh37 (hg19) VCF-style: chr3-70014391-A-G.
Other names: c.1252A>G, p.Thr418Ala (NM_000248.4); c.1399A>G, p.Thr467Ala (NM_001184967.2, NM_001354608.2); c.1570A>G, p.Thr524Ala (NM_001354605.2); c.1552A>G, p.Thr518Ala (NM_001354606.2, NM_006722.3); c.1504A>G, p.Thr502Ala (NM_001354607.2); c.1234A>G, p.Thr412Ala (NM_198158.3); c.1555A>G, p.Thr519Ala (NM_198159.3); c.1507A>G, p.Thr503Ala (NM_198177.3); and 1 more; short protein forms T467A, T525A, T412A, T503A, T518A, T519A, T524A, T356A.
Identifiers: ClinVar variation 734310 (VCV000734310.18), dbSNP rs142263283, ClinGen allele CA2490702.

ClinVar aggregate classification (germline): Benign/Likely benign. Review status: criteria provided, multiple submitters, no conflicts (2 of 4 stars). 8 submissions from 7 submitters: Benign (2); Likely benign (5). 1 of the submissions does not count toward it. Last evaluated 2026-01-28.

Conditions:
MITF-related disorder. Also called: MITF-related condition.
Tietz syndrome (TADS). Also called: TIETZ ALBINISM-DEAFNESS SYNDROME; ALBINISM-DEAFNESS OF TIETZ; HYPOPIGMENTATION/DEAFNESS OF TIETZ. Identifiers: Orphanet 42665, MedGen C0391816, MONDO:0007077, OMIM 103500.
Waardenburg syndrome type 2A (WS2A). Also called: WAARDENBURG SYNDROME WITHOUT DYSTOPIA CANTHORUM. Identifiers: Orphanet 3440, MedGen C1860339, MONDO:0008671, OMIM 193510.
Melanoma, cutaneous malignant, susceptibility to, 8. Also called: MELANOMA AND RENAL CELL CARCINOMA, SUSCEPTIBILITY TO; Cutaneous malignant melanoma 8. Identifiers: Orphanet 293822, MedGen C3152204, MONDO:0013759, OMIM 614456.
Hereditary cancer-predisposing syndrome. Also called: Neoplastic Syndromes, Hereditary; Hereditary Cancer Syndrome; Tumor predisposition; Hereditary neoplastic syndrome. Identifiers: Orphanet 140162, MedGen C0027672, MeSH D009386, MONDO:0015356.

Allele frequency attached by ClinVar (database versions not stated): gnomAD exomes 0.00004 and 0.00014; ExAC 0.00017; gnomAD 0.00045 and 0.00050; 1000 Genomes Project 30x 0.00047; TOPMed 0.00058; 1000 Genomes Project 0.00060; ESP Exome Variant Server 0.00062.
gnomAD v4.1: 125 of 1,613,820 alleles (0.0077%); highest among the groups gnomAD compares: African/African-American, 0.14%; no homozygotes.

Submissions (8):

Labcorp Genetics (formerly Invitae), Labcorp
Classification: Likely benign for Melanoma, cutaneous malignant, susceptibility to, 8; Waardenburg syndrome type 2A; Tietz syndrome. Last evaluated: 2026-01-28. Review status: criteria provided, single submitter. Criteria: Invitae Variant Classification Sherloc (09022015). Collection method: clinical testing. Allele origin: germline.

Blueprint Genetics
Classification: Likely benign. Last evaluated: 2024-11-21. Review status: criteria provided, single submitter. Criteria: ACMG Guidelines, 2015. Collection method: clinical testing. Allele origin: germline.

Ambry Genetics
Classification: Likely benign for Hereditary cancer-predisposing syndrome. Last evaluated: 2024-11-20. Review status: criteria provided, single submitter. Criteria: Ambry Variant Classification Scheme 2023. Collection method: clinical testing. Allele origin: germline.

GeneDx
Classification: Likely benign. Last evaluated: 2021-01-28. Review status: criteria provided, single submitter. Criteria: GeneDx Variant Classification Process June 2021. Collection method: clinical testing. Allele origin: germline. Affected: yes.

Illumina Laboratory Services, Illumina
Classification: Benign for Tietz syndrome. Last evaluated: 2018-01-13. Review status: criteria provided, single submitter. Criteria: ICSL Variant Classification Criteria 13 December 2019. Collection method: clinical testing. Allele origin: germline.
Comment: This variant was observed in the ICSL laboratory as part of a predisposition screen in an ostensibly healthy population. It had not been previously curated by ICSL or reported in the Human Gene Mutation Database (HGMD: prior to June 1st, 2018), and was therefore a candidate for classification through an automated scoring system. Utilizing variant allele frequency, disease prevalence and penetrance estimates, and inheritance mode, an automated score was calculated to assess if this variant is too frequent to cause the disease. Based on the score and internal cut-off values, a variant classified as benign is not then subjected to further curation. The score for this variant resulted in a classification of benign for this disease.

Illumina Laboratory Services, Illumina
Classification: Benign for Waardenburg syndrome type 2A. Last evaluated: 2018-01-13. Review status: criteria provided, single submitter. Criteria: ICSL Variant Classification Criteria 13 December 2019. Collection method: clinical testing. Allele origin: germline.
Comment: the same text as in the submission from Illumina Laboratory Services, Illumina above.

Breakthrough Genomics
Classification: Likely benign. Review status: criteria provided, single submitter. Criteria: ACMG Guidelines, 2015. Collection method: not provided. Allele origin: germline. Inheritance: Autosomal recessive inheritance. Affected: yes.

PreventionGenetics, part of Exact Sciences
Classification: Likely benign for MITF-related condition. Last evaluated: 2020-09-15. Review status: no assertion criteria provided. Collection method: clinical testing. Allele origin: germline. Not counted in ClinVar's aggregate classification.
Comment: This variant is classified as likely benign based on ACMG/AMP sequence variant interpretation guidelines (Richards et al. 2015 PMID: 25741868, with internal and published modifications).